The following is an entry in ClinVar:

ClinVar aggregate classification (germline): Likely benign (0 of 4 stars; one submission).

Conditions:
PET117-related disorder. Also called: PET117-related condition.

Allele frequency attached by ClinVar (database versions not stated): gnomAD exomes 0.00010; 1000 Genomes Project 0.00040; ExAC 0.00050; gnomAD 0.00133; 1000 Genomes Project 30x 0.00109.
gnomAD v4.1: 349 of 1,491,138 alleles (0.023%); highest among the groups gnomAD compares: African/African-American, 0.46%; no homozygotes.

Submission:

PreventionGenetics, part of Exact Sciences
Classification: Likely benign for PET117-related condition. Last evaluated: 2023-12-06. Review status: no assertion criteria provided. Collection method: clinical testing. Allele origin: germline.
Comment: This variant is classified as likely benign based on ACMG/AMP sequence variant interpretation guidelines (Richards et al. 2015 PMID: 25741868, with internal and published modifications).

NM_001164811.2(PET117):c.6T>C (p.Ser2=)

Genes: KAT14 (lysine acetyltransferase 14; plus strand), PET117 (PET117 cytochrome c oxidase chaperone; plus strand). Cytogenetic location: 20p11.23.
Variant type: single nucleotide variant.
Coding change: c.6T>C on transcript NM_001164811.2 (MANE Select); coding-DNA position 6, T replaced by C.
Protein change: p.Ser2=; no amino-acid change (serine 2 retained).
Molecular consequence: synonymous variant. On other transcripts: 5 prime UTR variant (5), intron variant (5).
Genome position (GRCh38, 1-based): chr20:18,137,961, T>C. VCF-style: chr20-18137961-T-C. GRCh37 (hg19) VCF-style: chr20-18118605-T-C.
Other names: c.-544T>C (NM_001384192.3, NM_001392073.1, NM_001392079.1 and 2 more transcripts); c.-454+742T>C (NM_001392075.1); c.-454+308T>C (NM_001392072.1, NM_001392078.1); c.-454+357T>C (NM_001392071.1, NM_001392077.1).
Identifiers: ClinVar variation 3041647 (VCV003041647.2), dbSNP rs554112747, ClinGen allele CA9775328.